The following is an entry in ClinVar:

ClinVar aggregate classification (germline): Uncertain significance. Review status: criteria provided, multiple submitters, no conflicts (2 of 4 stars). 3 submissions from 3 submitters: Uncertain significance (3). Last evaluated 2024-07-30.

Conditions:
Combined immunodeficiency due to LRBA deficiency. Also called: Common variable immunodeficiency 8, with autoimmunity. Identifiers: Orphanet 445018, MedGen C3553512, MONDO:0013863, OMIM 614700.
Inborn genetic diseases. Identifiers: MedGen C0950123, MeSH D030342.

Allele frequency attached by ClinVar (database versions not stated): gnomAD exomes below 0.00001 and 0.00001; gnomAD 0.00001; TOPMed 0.00002.
gnomAD v4.1: 10 of 1,610,604 alleles (0.00062%); highest among the groups gnomAD compares: Non-Finnish European, 0.00085%; no homozygotes.

Submissions (3):

Ambry Genetics
Classification: Uncertain significance for Inborn genetic diseases. Last evaluated: 2024-07-30. Review status: criteria provided, single submitter. Criteria: Ambry Variant Classification Scheme 2023. Collection method: clinical testing. Allele origin: germline.

Labcorp Genetics (formerly Invitae), Labcorp
Classification: Uncertain significance for Combined immunodeficiency due to LRBA deficiency. Last evaluated: 2021-09-02. Review status: criteria provided, single submitter. Criteria: Invitae Variant Classification Sherloc (09022015). Collection method: clinical testing. Allele origin: germline.
Comment: This sequence change replaces proline with leucine at codon 478 of the LRBA protein (p.Pro478Leu). The proline residue is moderately conserved and there is a moderate physicochemical difference between proline and leucine. This variant is not present in population databases (ExAC no frequency). This variant has not been reported in the literature in individuals affected with LRBA-related conditions. ClinVar contains an entry for this variant (Variation ID: 498814). Algorithms developed to predict the effect of missense changes on protein structure and function are either unavailable or do not agree on the potential impact of this missense change (SIFT: "Tolerated"; PolyPhen-2: "Probably Damaging"; Align-GVGD: "Class C0"). In summary, the available evidence is currently insufficient to determine the role of this variant in disease. Therefore, it has been classified as a Variant of Uncertain Significance.

Eurofins Ntd Llc (ga)
Classification: Uncertain significance. Last evaluated: 2016-11-23. Review status: criteria provided, single submitter. Criteria: EGL Classification Definitions 2015. Collection method: clinical testing. Allele origin: germline. Observed: 1 variant allele, 1 heterozygote.

NM_001364905.1(LRBA):c.1433C>T (p.Pro478Leu)

Gene: LRBA (LPS responsive beige-like anchor protein; minus strand). Cytogenetic location: 4q31.3.
Variant type: single nucleotide variant.
Coding change: c.1433C>T on transcript NM_001364905.1 (MANE Select); coding-DNA position 1433, C replaced by T.
Protein change: p.Pro478Leu; replaces proline 478 with leucine.
Molecular consequence: missense variant.
Genome position (GRCh38, 1-based): chr4:150,908,394, G>A on the plus strand (C>T on the coding strand, the complement: LRBA is on the minus strand). VCF-style: chr4-150908394-G-A. GRCh37 (hg19) VCF-style: chr4-151829546-G-A.
Other names: c.1433C>T, p.Pro478Leu (NM_001199282.3, NM_001367550.1, NM_006726.5); short protein forms P478L.
Identifiers: ClinVar variation 498814 (VCV000498814.11), dbSNP rs896257229, ClinGen allele CA107820441.